The following is an entry in ClinVar:

ClinVar aggregate classification (germline): Benign (1 of 4 stars; one submission).

Conditions:
Tuberous sclerosis 2 (TSC2). Identifiers: Orphanet 805, MedGen C1860707, MONDO:0013199, OMIM 613254.

Submission:

Myriad Genetics, Inc.
Classification: Benign for Tuberous sclerosis 2. Last evaluated: 2025-05-29. Review status: criteria provided, single submitter. Criteria: Myriad Autosomal Dominant, Autosomal Recessive and X-Linked Classification Criteria (2023). Collection method: clinical testing. Allele origin: unknown.
Comment: This variant is considered benign. This variant is a silent/synonymous amino acid change and it is not expected to impact splicing.

NM_000548.5(TSC2):c.3423C>T (p.Ala1141=)

Gene: TSC2 (TSC complex subunit 2; plus strand). Cytogenetic location: 16p13.3.
Variant type: single nucleotide variant.
Coding change: c.3423C>T on transcript NM_000548.5 (MANE Select); coding-DNA position 3423, C replaced by T.
Protein change: p.Ala1141=; no amino-acid change (alanine 1141 retained).
Molecular consequence: synonymous variant. On other transcripts: non-coding transcript variant (5).
Genome position (GRCh38, 1-based): chr16:2,080,190, C>T. VCF-style: chr16-2080190-C-T. GRCh37 (hg19) VCF-style: chr16-2130191-C-T.
Other names: c.3291C>T, p.Ala1097= (NM_001077183.3, NM_001370404.1, NM_001406665.1); c.3423C>T, p.Ala1141= (NM_001114382.3); c.3183C>T, p.Ala1061= (NM_001318827.2); c.3147C>T, p.Ala1049= (NM_001318829.2); c.2691C>T, p.Ala897= (NM_001318831.2, NM_001406687.1, NM_001406688.1); c.3324C>T, p.Ala1108= (NM_001318832.2); c.3294C>T, p.Ala1098= (NM_001363528.2, NM_001370405.1, NM_021055.3); c.3420C>T, p.Ala1140= (NM_001406663.1, NM_001406664.1); and 18 more.
Identifiers: ClinVar variation 4071120 (VCV004071120.1).